The following is an entry in ClinVar:

NC_000022.10:g.(?_38369502)_(38565433_?)del

Genes: BAIAP2L2 (BAR/IMD domain containing adaptor protein 2 like 2; minus strand), PICK1 (protein interacting with PRKCA 1; plus strand), PLA2G6 (phospholipase A2 group VI; minus strand), SLC16A8 (solute carrier family 16 member 8; minus strand), SOX10 (SRY-box transcription factor 10; minus strand). Cytogenetic location: 22q13.1.
Variant type: Deletion.
Identifiers: ClinVar variation 3248115 (VCV003248115.1).

ClinVar aggregate classification (germline): Pathogenic (1 of 4 stars; one submission).

Submission:

Labcorp Genetics (formerly Invitae), Labcorp
Classification: Pathogenic. Last evaluated: 2023-09-06. Review status: criteria provided, single submitter. Criteria: Invitae Variant Classification Sherloc (09022015). Collection method: clinical testing. Allele origin: unknown.
Comment: A gross deletion of the genomic region encompassing the full coding sequence of the SOX10 gene has been identified. Loss-of-function variants in SOX10 are known to be pathogenic (PMID: 9462749, 15004559, 21965087, 33442024). The boundaries of this event are unknown as they extend beyond the assayed region for this gene and therefore may encompass additional genes. A similar copy number variant has been observed in individual(s) with congenital hypogonadotropic hypogonadism (PMID: 31200363). For these reasons, this variant has been classified as Pathogenic.

Literature cited by the submitters: PubMed 9462749; PubMed 15004559; PubMed 21965087; PubMed 33442024; PubMed 31200363.